The following is an entry in ClinVar:

NM_001042432.2(CLN3):c.852C>G (p.Tyr284Ter)

Gene: CLN3 (CLN3 lysosomal/endosomal transmembrane protein, battenin; minus strand). Cytogenetic location: 16p12.1.
Variant type: single nucleotide variant.
Coding change: c.852C>G on transcript NM_001042432.2 (MANE Select); coding-DNA position 852, C replaced by G.
Protein change: p.Tyr284Ter; replaces tyrosine 284 with a stop codon.
Molecular consequence: nonsense.
Genome position (GRCh38, 1-based): chr16:28,482,531, G>C on the plus strand (C>G on the coding strand, the complement: CLN3 is on the minus strand). VCF-style: chr16-28482531-G-C. GRCh37 (hg19) VCF-style: chr16-28493852-G-C.
Other names: c.852C>G, p.Tyr284Ter (NM_000086.2); c.780C>G, p.Tyr260Ter (NM_001286104.2); c.552C>G, p.Tyr184Ter (NM_001286105.2); c.618C>G, p.Tyr206Ter (NM_001286109.2); c.690C>G, p.Tyr230Ter (NM_001286110.2); short protein forms Y184*, Y206*, Y230*, Y260*, Y284*.
Identifiers: ClinVar variation 1725286 (VCV001725286.2), dbSNP rs1294714405, ClinGen allele CA395344499.

ClinVar aggregate classification (germline): Likely pathogenic (1 of 4 stars; one submission).

Conditions:
Neuronal ceroid lipofuscinosis 3 (CLN3). Identifiers: Orphanet 228346, MedGen C0751383, MONDO:0008767, OMIM 204200.

Allele frequency attached by ClinVar (database versions not stated): TOPMed below 0.00001.

Submission:

Myriad Genetics, Inc.
Classification: Likely pathogenic for Neuronal ceroid lipofuscinosis 3. Last evaluated: 2022-03-15. Review status: criteria provided, single submitter. Criteria: Myriad Women's Health Autosomal Recessive and X-Linked Classification Criteria (2021). Collection method: clinical testing. Allele origin: unknown.
Comment: NM_001042432.1(CLN3):c.852C>G(Y284*) is expected to be pathogenic in the context of CLN3-related neuronal ceroid lipofuscinosis. This variant is predicted to lead to an abnormal or absent protein product due to the creation of a premature termination codon in CLN3, a gene where loss-of-function variants are known to be pathogenic. Please note: this variant was assessed in the context of healthy population screening.